The following is an entry in ClinVar:

ClinVar aggregate classification (germline): Uncertain significance. Review status: criteria provided, multiple submitters, no conflicts (2 of 4 stars). 3 submissions from 3 submitters: Uncertain significance (2). 1 of the submissions does not count toward it. Last evaluated 2024-11-04.

Conditions:
Carnitine palmitoyl transferase 1A deficiency. Also called: CPT deficiency, hepatic, type IA; Carnitine palmitoyltransferase 1A deficiency; Carnitine palmitoyltransferase type I deficiency; CPT I DEFICIENCY; CPT DEFICIENCY, HEPATIC, TYPE I. Identifiers: Orphanet 156, MedGen C1829703, MONDO:0009705, OMIM 255120.

Allele frequency attached by ClinVar (database versions not stated): gnomAD 0.00002 and 0.00003; ExAC 0.00003; gnomAD exomes 0.00004 and 0.00005; TOPMed 0.00004.
gnomAD v4.1: 63 of 1,613,974 alleles (0.0039%); highest among the groups gnomAD compares: East Asian, 0.11%; 1 homozygote.

Submissions (3):

Women's Health and Genetics/Laboratory Corporation of America, LabCorp
Classification: Uncertain significance. Last evaluated: 2024-11-04. Review status: criteria provided, single submitter. Criteria: LabCorp Variant Classification Summary - May 2015. Collection method: clinical testing. Allele origin: germline.

Labcorp Genetics (formerly Invitae), Labcorp
Classification: Uncertain significance for Carnitine palmitoyl transferase 1A deficiency. Last evaluated: 2021-10-24. Review status: criteria provided, single submitter. Criteria: Invitae Variant Classification Sherloc (09022015). Collection method: clinical testing. Allele origin: germline.
Comment: This sequence change falls in intron 11 of the CPT1A gene. It does not directly change the encoded amino acid sequence of the CPT1A protein. It affects a nucleotide within the consensus splice site of the intron. This variant is present in population databases (rs541440067, ExAC 0.02%). This variant has not been reported in the literature in individuals affected with CPT1A-related conditions. Variants that disrupt the consensus splice site are a relatively common cause of aberrant splicing (PMID: 17576681, 9536098). Algorithms developed to predict the effect of sequence changes on RNA splicing suggest that this variant may disrupt the consensus splice site. In summary, the available evidence is currently insufficient to determine the role of this variant in disease. Therefore, it has been classified as a Variant of Uncertain Significance.

Natera, Inc.
Classification: Uncertain significance for Carnitine palmitoyltransferase type I deficiency. Last evaluated: 2020-03-24. Review status: no assertion criteria provided. Collection method: clinical testing. Allele origin: germline. Not counted in ClinVar's aggregate classification.

Literature cited by the submitters: PubMed 17576681 (cited by Labcorp Genetics (formerly Invitae), Labcorp); PubMed 9536098 (cited by Labcorp Genetics (formerly Invitae), Labcorp).

NM_001876.4(CPT1A):c.1352+6G>A

Genes: CPT1A (carnitine palmitoyltransferase 1A; minus strand), LOC126861244 (BRD4-independent group 4 enhancer GRCh37_chr11:68549035-68550234; plus strand). Cytogenetic location: 11q13.3.
Variant type: single nucleotide variant.
Coding change: c.1352+6G>A on transcript NM_001876.4 (MANE Select); 6 bases into the intron after coding-DNA position 1352, G replaced by A.
Molecular consequence: intron variant.
Genome position (GRCh38, 1-based): chr11:68,781,765, C>T on the plus strand (G>A on the coding strand, the complement: CPT1A is on the minus strand). VCF-style: chr11-68781765-C-T. GRCh37 (hg19) VCF-style: chr11-68549233-C-T.
Other names: c.1352+6G>A (NM_001031847.3).
Identifiers: ClinVar variation 861302 (VCV000861302.8), dbSNP rs541440067, ClinGen allele CA6152348.